The following is an entry in ClinVar:

ClinVar aggregate classification (germline): Benign/Likely benign. Review status: criteria provided, multiple submitters, no conflicts (2 of 4 stars). 3 submissions from 3 submitters: Benign (1); Likely benign (2). Last evaluated 2024-10-01.

Conditions:
Familial cancer of breast. Also called: Hereditary breast cancer; hereditary breast carcinoma; BREAST CANCER, FAMILIAL. Identifiers: Orphanet 227535, MedGen C0346153, MONDO:0016419, OMIM 114480. Disease mechanism: loss of function.

Allele frequency attached by ClinVar (database versions not stated): gnomAD exomes below 0.00001 and 0.00001.
gnomAD v4.1: 3 of 1,614,028 alleles (0.00019%); highest among the groups gnomAD compares: South Asian, 0.0033%; no homozygotes.

Submissions (3):

Myriad Genetics, Inc.
Classification: Benign for Familial cancer of breast. Last evaluated: 2024-10-01. Review status: criteria provided, single submitter. Criteria: Myriad Autosomal Dominant, Autosomal Recessive and X-Linked Classification Criteria (2023). Collection method: clinical testing. Allele origin: unknown.
Comment: This variant is considered benign. This variant is a silent/synonymous amino acid change and it is not expected to impact splicing.

Labcorp Genetics (formerly Invitae), Labcorp
Classification: Likely benign for Familial cancer of breast. Last evaluated: 2024-03-29. Review status: criteria provided, single submitter. Criteria: Invitae Variant Classification Sherloc (09022015). Collection method: clinical testing. Allele origin: germline.

GeneDx
Classification: Likely benign. Last evaluated: 2016-11-17. Review status: criteria provided, single submitter. Criteria: GeneDx Variant Classification (06012015). Collection method: clinical testing. Allele origin: germline. Affected: yes.
Comment: This variant is considered likely benign or benign based on one or more of the following criteria: it is a conservative change, it occurs at a poorly conserved position in the protein, it is predicted to be benign by multiple in silico algorithms, and/or has population frequency not consistent with disease.

NM_007194.4(CHEK2):c.54T>C (p.Cys18=)

Gene: CHEK2 (checkpoint kinase 2; minus strand). Cytogenetic location: 22q12.1.
Variant type: single nucleotide variant.
Coding change: c.54T>C on transcript NM_007194.4 (MANE Select); coding-DNA position 54, T replaced by C.
Protein change: p.Cys18=; no amino-acid change (cysteine 18 retained).
Molecular consequence: synonymous variant.
Genome position (GRCh38, 1-based): chr22:28,734,668, A>G on the plus strand (T>C on the coding strand, the complement: CHEK2 is on the minus strand). VCF-style: chr22-28734668-A-G. GRCh37 (hg19) VCF-style: chr22-29130656-A-G.
Other names: c.54T>C, p.Cys18= (NM_001005735.3, NM_001349956.3, NM_145862.3); c.-724T>C (NM_001257387.3).
Identifiers: ClinVar variation 391081 (VCV000391081.6), dbSNP rs1057523962, ClinGen allele CA16609092.